The following is an entry in ClinVar:

NM_001206927.2(DNAH8):c.11570T>G (p.Leu3857Trp)

Genes: DNAH8 (dynein axonemal heavy chain 8; plus strand), DNAH8-AS1 (DNAH8 antisense RNA 1; minus strand). Cytogenetic location: 6p21.2.
Variant type: single nucleotide variant.
Coding change: c.11570T>G on transcript NM_001206927.2 (MANE Select); coding-DNA position 11570, T replaced by G.
Protein change: p.Leu3857Trp; replaces leucine 3857 with tryptophan.
Molecular consequence: missense variant.
Genome position (GRCh38, 1-based): chr6:38,937,980, T>G. VCF-style: chr6-38937980-T-G. GRCh37 (hg19) VCF-style: chr6-38905756-T-G.
Other names: c.10919T>G, p.Leu3640Trp (NM_001371.4); short protein forms L3857W, L3640W.
Identifiers: ClinVar variation 572515 (VCV000572515.13), dbSNP rs143043316, ClinGen allele CA3791126.

ClinVar aggregate classification (germline): Uncertain significance. Review status: criteria provided, multiple submitters, no conflicts (2 of 4 stars). 2 submissions from 2 submitters: Uncertain significance (2). Last evaluated 2023-04-20.

Conditions:
Primary ciliary dyskinesia. Also called: Ciliary dyskinesia. Identifiers: Orphanet 244, MedGen C0008780, MONDO:0016575, HP:0012265.

Allele frequency attached by ClinVar (database versions not stated): gnomAD exomes below 0.00001 and 0.00001; TOPMed below 0.00001; ExAC 0.00001; gnomAD 0.00001; ESP Exome Variant Server 0.00008.
gnomAD v4.1: 11 of 1,613,722 alleles (0.00068%); highest among the groups gnomAD compares: Non-Finnish European, 0.00093%; no homozygotes.

Submissions (2):

Ambry Genetics
Classification: Uncertain significance. Last evaluated: 2023-04-20. Review status: criteria provided, single submitter. Criteria: Ambry Variant Classification Scheme 2023. Collection method: clinical testing. Allele origin: germline.

Labcorp Genetics (formerly Invitae), Labcorp
Classification: Uncertain significance for Primary ciliary dyskinesia. Last evaluated: 2022-05-28. Review status: criteria provided, single submitter. Criteria: Invitae Variant Classification Sherloc (09022015). Collection method: clinical testing. Allele origin: germline.
Comment: This sequence change replaces leucine, which is neutral and non-polar, with tryptophan, which is neutral and slightly polar, at codon 3857 of the DNAH8 protein (p.Leu3857Trp). This variant is present in population databases (rs143043316, gnomAD 0.0009%). This variant has not been reported in the literature in individuals affected with DNAH8-related conditions. ClinVar contains an entry for this variant (Variation ID: 572515). Algorithms developed to predict the effect of missense changes on protein structure and function are either unavailable or do not agree on the potential impact of this missense change (SIFT: "Deleterious"; PolyPhen-2: "Not Available"; Align-GVGD: "Class C55"). In summary, the available evidence is currently insufficient to determine the role of this variant in disease. Therefore, it has been classified as a Variant of Uncertain Significance.